The following is an entry in ClinVar:

ClinVar aggregate classification (germline): Pathogenic (1 of 4 stars; one submission).

Conditions:
Early-infantile DEE. Also called: Ohtahara syndrome; Early infantile epileptic encephalopathy with suppression bursts; Early infantile epileptic encephalopathy. Identifiers: Orphanet 1934, MedGen C0393706, MONDO:0800491.

Submission:

Labcorp Genetics (formerly Invitae), Labcorp
Classification: Pathogenic for Early-infantile DEE. Last evaluated: 2023-05-15. Review status: criteria provided, single submitter. Criteria: Invitae Variant Classification Sherloc (09022015). Collection method: clinical testing. Allele origin: germline.
Comment: This missense change has been observed in individuals with clinical features of SCN1A-related conditions (Invitae). This sequence change replaces aspartic acid, which is acidic and polar, with histidine, which is basic and polar, at codon 1727 of the SCN1A protein (p.Asp1727His). This variant is not present in population databases (gnomAD no frequency). ClinVar contains an entry for this variant (Variation ID: 1066441). Advanced modeling of protein sequence and biophysical properties (such as structural, functional, and spatial information, amino acid conservation, physicochemical variation, residue mobility, and thermodynamic stability) performed at Invitae indicates that this missense variant is expected to disrupt SCN1A protein function. This variant disrupts the p.Arg1727 amino acid residue in SCN1A. Other variant(s) that disrupt this residue have been determined to be pathogenic (PMID: 31001185; Invitae). This suggests that this residue is clinically significant, and that variants that disrupt this residue are likely to be disease-causing. For these reasons, this variant has been classified as Pathogenic.

Literature cited by the submitters: PubMed 31001185.

NM_001165963.4(SCN1A):c.5179G>C (p.Asp1727His)

Genes: SCN1A (sodium voltage-gated channel alpha subunit 1; minus strand), LOC102724058 (uncharacterized LOC102724058; plus strand). Cytogenetic location: 2q24.3.
Variant type: single nucleotide variant.
Coding change: c.5179G>C on transcript NM_001165963.4 (MANE Select); coding-DNA position 5179, G replaced by C.
Protein change: p.Asp1727His; replaces aspartic acid 1727 with histidine.
Molecular consequence: missense variant. On other transcripts: non-coding transcript variant (1).
Genome position (GRCh38, 1-based): chr2:165,992,096, C>G on the plus strand (G>C on the coding strand, the complement: SCN1A is on the minus strand). VCF-style: chr2-165992096-C-G. GRCh37 (hg19) VCF-style: chr2-166848606-C-G.
Other names: c.5095G>C, p.Asp1699His (NM_001165964.3, NM_001353957.2, NM_001353958.2); c.5179G>C, p.Asp1727His (NM_001202435.3, NM_001353948.2); c.5146G>C, p.Asp1716His (NM_001353949.2, NM_001353950.2, NM_001353951.2 and 2 more transcripts); c.5143G>C, p.Asp1715His (NM_001353954.2, NM_001353955.2); c.5092G>C, p.Asp1698His (NM_001353960.2); c.2737G>C, p.Asp913His (NM_001353961.2); short protein forms D1698H, D1699H, D1715H, D1716H, D1727H, D913H.
Identifiers: ClinVar variation 1066441 (VCV001066441.10), dbSNP rs1689278461, ClinGen allele CA349068758.